The following is an entry in ClinVar:

NM_004064.5(CDKN1B):c.168C>A (p.Ser56Arg)

Gene: CDKN1B (cyclin dependent kinase inhibitor 1B; plus strand). Cytogenetic location: 12p13.1.
Variant type: single nucleotide variant.
Coding change: c.168C>A on transcript NM_004064.5 (MANE Select); coding-DNA position 168, C replaced by A.
Protein change: p.Ser56Arg; replaces serine 56 with arginine.
Molecular consequence: missense variant.
Genome position (GRCh38, 1-based): chr12:12,718,007, C>A. VCF-style: chr12-12718007-C-A. GRCh37 (hg19) VCF-style: chr12-12870941-C-A.
Other names: short protein forms S56R.
Identifiers: ClinVar variation 819839 (VCV000819839.13), dbSNP rs35456792, ClinGen allele CA6457403.

ClinVar aggregate classification (germline): Conflicting classifications of pathogenicity. Review status: criteria provided, conflicting classifications (1 of 4 stars). 2 submissions from 2 submitters: Uncertain significance (1); Benign (1). Last evaluated 2024-04-25.

Conditions:
Multiple endocrine neoplasia type 4. Also called: MULTIPLE ENDOCRINE NEOPLASIA, TYPE IV. Identifiers: Orphanet 276152, MedGen C1970712, MONDO:0012552, OMIM 610755.
Hereditary cancer-predisposing syndrome. Also called: Hereditary Cancer Syndrome; Neoplastic Syndromes, Hereditary; Hereditary neoplastic syndrome; Tumor predisposition. Identifiers: Orphanet 140162, MedGen C0027672, MeSH D009386, MONDO:0015356.

Submissions (2):

Ambry Genetics
Classification: Benign for Hereditary cancer-predisposing syndrome. Last evaluated: 2024-04-25. Review status: criteria provided, single submitter. Criteria: Ambry Variant Classification Scheme 2023. Collection method: clinical testing. Allele origin: germline.

Labcorp Genetics (formerly Invitae), Labcorp
Classification: Uncertain significance for Multiple endocrine neoplasia type 4. Last evaluated: 2023-06-04. Review status: criteria provided, single submitter. Criteria: Invitae Variant Classification Sherloc (09022015). Collection method: clinical testing. Allele origin: germline.
Comment: This variant has not been reported in the literature in individuals affected with CDKN1B-related conditions. This variant is present in population databases (rs35456792, gnomAD 0.01%). This sequence change replaces serine, which is neutral and polar, with arginine, which is basic and polar, at codon 56 of the CDKN1B protein (p.Ser56Arg). ClinVar contains an entry for this variant (Variation ID: 819839). In summary, the available evidence is currently insufficient to determine the role of this variant in disease. Therefore, it has been classified as a Variant of Uncertain Significance. An algorithm developed to predict the effect of missense changes on protein structure and function (PolyPhen-2) suggests that this variant is likely to be tolerated.